The following is an entry in ClinVar:

NM_001098.3(ACO2):c.1280T>C (p.Ile427Thr)

Gene: ACO2 (aconitase 2; plus strand). Cytogenetic location: 22q13.2.
Variant type: single nucleotide variant.
Coding change: c.1280T>C on transcript NM_001098.3 (MANE Select); coding-DNA position 1280, T replaced by C.
Protein change: p.Ile427Thr; replaces isoleucine 427 with threonine.
Molecular consequence: missense variant.
Genome position (GRCh38, 1-based): chr22:41,522,971, T>C. VCF-style: chr22-41522971-T-C. GRCh37 (hg19) VCF-style: chr22-41918975-T-C.
Other names: c.1280T>C (NM_001098.2); short protein forms I427T.
Identifiers: ClinVar variation 1495625 (VCV001495625.7), dbSNP rs930822764, ClinGen allele CA324578211.

ClinVar aggregate classification (germline): Uncertain significance. Review status: criteria provided, multiple submitters, no conflicts (2 of 4 stars). 2 submissions from 2 submitters: Uncertain significance (2). Last evaluated 2025-03-12.

Allele frequency attached by ClinVar (database versions not stated): gnomAD exomes 0.00001; gnomAD 0.00005; TOPMed 0.00007.
gnomAD v4.1: 11 of 1,614,084 alleles (0.00068%); highest among the groups gnomAD compares: Admixed American, 0.012%; no homozygotes.

Submissions (2):

GeneDx
Classification: Uncertain significance. Last evaluated: 2025-03-12. Review status: criteria provided, single submitter. Criteria: GeneDx Variant Classification Process June 2021. Collection method: clinical testing. Allele origin: germline. Affected: yes.
Comment: Not observed at significant frequency in large population cohorts (gnomAD); In silico analysis supports that this missense variant has a deleterious effect on protein structure/function; Has not been previously published as pathogenic or benign to our knowledge

Labcorp Genetics (formerly Invitae), Labcorp
Classification: Uncertain significance. Last evaluated: 2023-08-04. Review status: criteria provided, single submitter. Criteria: Invitae Variant Classification Sherloc (09022015). Collection method: clinical testing. Allele origin: germline.
Comment: This sequence change replaces isoleucine, which is neutral and non-polar, with threonine, which is neutral and polar, at codon 427 of the ACO2 protein (p.Ile427Thr). This variant is present in population databases (no rsID available, gnomAD 0.01%). This variant has not been reported in the literature in individuals affected with ACO2-related conditions. ClinVar contains an entry for this variant (Variation ID: 1495625). Advanced modeling of protein sequence and biophysical properties (such as structural, functional, and spatial information, amino acid conservation, physicochemical variation, residue mobility, and thermodynamic stability) performed at Invitae indicates that this missense variant is not expected to disrupt ACO2 protein function. In summary, the available evidence is currently insufficient to determine the role of this variant in disease. Therefore, it has been classified as a Variant of Uncertain Significance.